The following is an entry in ClinVar:

NM_014444.5(TUBGCP4):c.1638G>A (p.Gln546=)

Gene: TUBGCP4 (tubulin gamma complex component 4; plus strand). Cytogenetic location: 15q15.3.
Variant type: single nucleotide variant.
Coding change: c.1638G>A on transcript NM_014444.5 (MANE Select); coding-DNA position 1638, G replaced by A.
Protein change: p.Gln546=; no amino-acid change (glutamine 546 retained).
Molecular consequence: synonymous variant.
Genome position (GRCh38, 1-based): chr15:43,401,757, G>A. VCF-style: chr15-43401757-G-A. GRCh37 (hg19) VCF-style: chr15-43693955-G-A.
Other names: c.1641G>A, p.Gln547= (NM_001286414.3).
Identifiers: ClinVar variation 1584644 (VCV001584644.32), dbSNP rs528810773, ClinGen allele CA7524148.

ClinVar aggregate classification (germline): Likely benign. Review status: criteria provided, multiple submitters, no conflicts (2 of 4 stars). 2 submissions from 2 submitters: Likely benign (2). Last evaluated 2022-09-01.

Allele frequency attached by ClinVar (database versions not stated): ExAC 0.00001; gnomAD exomes 0.00001; TOPMed 0.00001; gnomAD 0.00002 and 0.00003; 1000 Genomes Project 0.00020; 1000 Genomes Project 30x 0.00031.
gnomAD v4.1: 16 of 1,614,122 alleles (0.00099%); highest among the groups gnomAD compares: Admixed American, 0.0033%; no homozygotes.

Submissions (2):

Labcorp Genetics (formerly Invitae), Labcorp
Classification: Likely benign. Last evaluated: 2022-09-01. Review status: criteria provided, single submitter. Criteria: Invitae Variant Classification Sherloc (09022015). Collection method: clinical testing. Allele origin: germline.

CeGaT Center for Human Genetics Tuebingen
Classification: Likely benign. Last evaluated: 2022-05-01. Review status: criteria provided, single submitter. Criteria: CeGaT Center For Human Genetics Tuebingen Variant Classification Criteria Version 2. Collection method: clinical testing. Allele origin: germline. Affected: yes. Observed: 1 variant allele.
Comment: TUBGCP4: BP4, BP7